The following is an entry in ClinVar:

ClinVar aggregate classification (germline): Uncertain significance (1 of 4 stars; one submission).

Submission:

GeneDx
Classification: Uncertain significance. Last evaluated: 2026-04-16. Review status: criteria provided, single submitter. Criteria: GeneDx Variant Classification Process June 2021. Collection method: clinical testing. Allele origin: germline.
Comment: Not observed at significant frequency in large population cohorts (gnomAD); In silico analysis suggests that this missense variant does not alter protein structure/function; Has not been previously published as pathogenic or benign to our knowledge

NM_001734.5(C1S):c.284T>C (p.Ile95Thr)

Gene: C1S (complement C1s; plus strand). Cytogenetic location: 12p13.31.
Variant type: single nucleotide variant.
Coding change: c.284T>C on transcript NM_001734.5 (MANE Select); coding-DNA position 284, T replaced by C.
Protein change: p.Ile95Thr; replaces isoleucine 95 with threonine.
Molecular consequence: missense variant. On other transcripts: 5 prime UTR variant (1).
Genome position (GRCh38, 1-based): chr12:7,062,960, T>C. VCF-style: chr12-7062960-T-C. GRCh37 (hg19) VCF-style: chr12-7170264-T-C.
Other names: c.-218T>C (NM_001346850.2); c.284T>C, p.Ile95Thr (NM_201442.4); short protein forms I95T.
Identifiers: ClinVar variation 5037308 (VCV005037308.1).